The following is an entry in ClinVar:

NM_000273.3(GPR143):c.2T>C (p.Met1Thr)

Gene: GPR143 (G protein-coupled receptor 143; minus strand). Cytogenetic location: Xp22.2.
Variant type: single nucleotide variant.
Coding change: c.2T>C on transcript NM_000273.3 (MANE Select); coding-DNA position 2, T replaced by C.
Protein change: p.Met1Thr; changes the start codon (methionine 1).
Molecular consequence: missense variant, initiator codon variant.
Genome position (GRCh38, 1-based): chrX:9,765,816, A>G on the plus strand (T>C on the coding strand, the complement: GPR143 is on the minus strand). VCF-style: chrX-9765816-A-G. GRCh37 (hg19) VCF-style: chrX-9733856-A-G.
Other names: short protein forms M1T.
Identifiers: ClinVar variation 377335 (VCV000377335.8), dbSNP rs1057520200, ClinGen allele CA16603346.

ClinVar aggregate classification (germline): Pathogenic. Review status: criteria provided, multiple submitters, no conflicts (2 of 4 stars). 2 submissions from 2 submitters: Pathogenic (2). Last evaluated 2025-10-05.

Submissions (2):

Labcorp Genetics (formerly Invitae), Labcorp
Classification: Pathogenic. Last evaluated: 2025-10-05. Review status: criteria provided, single submitter. Criteria: Invitae Variant Classification Sherloc (09022015). Collection method: clinical testing. Allele origin: germline.
Comment: This sequence change affects the initiator codon of the GPR143 mRNA. This change may impact translation initiation or efficiency. The next in-frame methionine is located at codon 85. This variant is not present in population databases (gnomAD no frequency). Disruption of the initiator codon has been observed in individual(s) with ocular albinism (PMID: 31106028). ClinVar contains an entry for this variant (Variation ID: 377335). This variant disrupts a region of the GPR143 protein in which other variant(s) (p.Gly84Asp) have been determined to be pathogenic (PMID: 8634705, 11115845, 12868035, 31574285). This suggests that this is a clinically significant region of the protein, and that variants that disrupt it are likely to be disease-causing. For these reasons, this variant has been classified as Pathogenic.

Center for Pediatric Genomic Medicine, Children's Mercy Hospital and Clinics
Classification: Pathogenic. Last evaluated: 2016-09-13. Review status: criteria provided, single submitter. Criteria: ACMG Guidelines, 2015. Collection method: clinical testing. Allele origin: germline.

Literature cited by the submitters: PubMed 31106028 (cited by Labcorp Genetics (formerly Invitae), Labcorp); PubMed 8634705 (cited by Labcorp Genetics (formerly Invitae), Labcorp); PubMed 11115845 (cited by Labcorp Genetics (formerly Invitae), Labcorp); PubMed 12868035 (cited by Labcorp Genetics (formerly Invitae), Labcorp); PubMed 31574285 (cited by Labcorp Genetics (formerly Invitae), Labcorp).